The following is an entry in ClinVar:

NM_000834.5(GRIN2B):c.2065G>A (p.Gly689Ser)

Gene: GRIN2B (glutamate ionotropic receptor NMDA type subunit 2B; minus strand). Cytogenetic location: 12p13.1.
Variant type: single nucleotide variant.
Coding change: c.2065G>A on transcript NM_000834.5 (MANE Select); coding-DNA position 2065, G replaced by A.
Protein change: p.Gly689Ser; replaces glycine 689 with serine.
Molecular consequence: missense variant.
Genome position (GRCh38, 1-based): chr12:13,571,910, C>T on the plus strand (G>A on the coding strand, the complement: GRIN2B is on the minus strand). VCF-style: chr12-13571910-C-T. GRCh37 (hg19) VCF-style: chr12-13724844-C-T.
Other names: NM_000834.5(GRIN2B):c.2065G>A; p.Gly689Ser; short protein forms G689S.
Identifiers: ClinVar variation 224818 (VCV000224818.60), dbSNP rs869312868, ClinGen allele CA357906.

ClinVar aggregate classification (germline): Pathogenic/Likely pathogenic. Review status: criteria provided, multiple submitters, no conflicts (2 of 4 stars). 11 submissions from 11 submitters: Pathogenic (10); Likely pathogenic (1). Last evaluated 2026-03-02.

Conditions:
Intellectual developmental disorder, autosomal dominant 6, with or without seizures. Also called: Intellectual disability, autosomal dominant 6; GRIN2B-related developmental delay, intellectual disability and autism spectrum disorder. Identifiers: Orphanet 589547, MedGen C3151411, MONDO:0013509, OMIM 613970.
Developmental and epileptic encephalopathy, 27 (DEE27). Also called: Epileptic encephalopathy, early infantile, 27; GRIN2B-Related Neurodevelopmental Disorder. Identifiers: Orphanet 3451, MedGen C4015316, MONDO:0014505, OMIM 616139.
Complex neurodevelopmental disorder. Identifiers: Orphanet 528084, MedGen C5568766, MONDO:0100038.
Developmental disorder. Identifiers: MedGen C0008073.
Intellectual disability. Also called: Intellectual functioning disability; intellectual disabilities; Intellectual developmental disorder. Identifiers: MedGen C3714756, MeSH D008607, MONDO:0001071, HP:0001249.

Submissions (11):

Broad Center for Mendelian Genomics, Broad Institute of MIT and Harvard
Classification: Pathogenic for Intellectual developmental disorder, autosomal dominant 6, with or without seizures. Last evaluated: 2026-03-02. Review status: criteria provided, single submitter. Criteria: ACMG Guidelines, 2015. Collection method: research. Allele origin: germline. Inheritance: Autosomal dominant inheritance.
Comment: Trio exome analysis showed this variant to be de novo. The p.Gly689Ser variant in GRIN2B has been reported in at least 14 individuals with autosomal dominant intellectual developmental disorder-6 (PMID: 26350515, 28377535, 30842224, 33229608, 34212862, 34673242, 31785789, 34302356, 34490615, 33860439), and was absent from large population studies. This variant has also been reported in ClinVar (Variation ID: 224818) and has been interpreted as pathogenic/likely pathogenic by several labs. This variant was found to be de novo in 4 individuals with confirmed paternity and maternity (PMID: 34212862, 26350515, 33229608, 34490615), and was assumed de novo in 5 individuals, but maternity and paternity have not been confirmed (PMID: 28377535, 30842224). The number of reported affected individuals with this variant is greater than expected compared to non-affected individuals with this variant. In vitro functional studies provide some evidence that the p.Gly689Ser variant may slightly impact protein function (PMID: 34212862). However, these types of assays may not accurately represent biological function. Computational prediction tools and conservation analyses do not provide strong support for or against an impact to the protein. The p.Gly689Ser variant is located in a region of GRIN2B that is essential to protein folding and stability, suggesting that this variant is in a hot spot/functional domain and supports pathogenicity (PMID: 28377535). The number of missense variants reported in GRIN2B in the general population is lower than expected, suggesting there is little benign variation in this gene and slightly increasing the possibility that a missense variant in this gene may not be tolerated. In summary, this variant meets criteria to be classified as pathogenic for autosomal dominant intellectual developmental disorder-6. ACMG/AMP Criteria applied: PS4, PM1, PS2_moderate, PP2, PM2_supporting, PS3_supporting (Richards 2015).

Labcorp Genetics (formerly Invitae), Labcorp
Classification: Pathogenic for Developmental and epileptic encephalopathy, 27; Intellectual developmental disorder, autosomal dominant 6, with or without seizures. Last evaluated: 2025-10-02. Review status: criteria provided, single submitter. Criteria: Invitae Variant Classification Sherloc (09022015). Collection method: clinical testing. Allele origin: germline.
Comment: This sequence change replaces glycine, which is neutral and non-polar, with serine, which is neutral and polar, at codon 689 of the GRIN2B protein (p.Gly689Ser). This variant is not present in population databases (gnomAD no frequency). This missense change has been observed in individual(s) with GRIN2B-related conditions (PMID: 28377535, 30842224, 34212862). In at least one individual the variant was observed to be de novo. ClinVar contains an entry for this variant (Variation ID: 224818). Invitae Evidence Modeling of protein sequence and biophysical properties (such as structural, functional, and spatial information, amino acid conservation, physicochemical variation, residue mobility, and thermodynamic stability) has been performed for this missense variant. However, the output from this modeling did not meet the statistical confidence thresholds required to predict the impact of this variant on GRIN2B protein function. Experimental studies have shown that this missense change affects GRIN2B function (PMID: 34212862). For these reasons, this variant has been classified as Pathogenic.

Kasturba Medical College, Manipal, Kasturba Medical College, Manipal, Manipal Academy of Higher Education, Manipal, India
Classification: Pathogenic for Developmental and epileptic encephalopathy, 27. Last evaluated: 2023-11-23. Review status: criteria provided, single submitter. Criteria: ACMG Guidelines, 2015. Collection method: clinical testing. Allele origin: germline. Inheritance: Autosomal dominant inheritance. Affected: yes.
Comment: PS3: In vitro functional studies showed this variant impacts protein function (PMID: 34212862). PS4 (applied as moderate) reported in various publications. PM1: Located in a mutational hot spot and/or critical and well-established functional domain (PMID: 28377535). PM2: Absent in the population databases. PM6: De novo without the confirmation of paternity and maternity PP2: GRIN2b has a low rate of benign missense variation (Z score: 7.34) PP3: In silico scores predict the variant to be damaging to the protein function. PP5: Reported as pathogenic variant in ClinVar.

3billion
Classification: Pathogenic for Intellectual developmental disorder, autosomal dominant 6, with or without seizures. Last evaluated: 2023-10-15. Review status: criteria provided, single submitter. Criteria: ACMG Guidelines, 2015. Collection method: clinical testing. Allele origin: germline. Affected: yes.
Comment: The variant is not observed in the gnomAD v2.1.1 dataset. Predicted Consequence/Location: Missense changes are a common disease-causing mechanism. In silico tool predictions suggest a damaging effect of the variant on the gene or gene product [3Cnet: 0.97 (>=0.6, sensitivity 0.72 and precision 0.9)]. The same nucleotide change resulting in the same amino acid change has been previously reported as pathogenic/likely pathogenic with strong evidence (ClinVar ID: VCV000224818).The variant has been previously reported as assumed (i.e. paternity and maternity not confirmed) de novo in at least one similarly affected unrelated individual (PMID: 28377535).A different missense change at the same codon (p.Gly689Cys) has been reported to be associated with GRIN2B related disorder (PMID: 34212862). Therefore, this variant is classified as Pathogenic according to the recommendation of ACMG/AMP guideline.

Laboratory for Molecular Medicine, Mass General Brigham Personalized Medicine
Classification: Pathogenic for Intellectual disability. Last evaluated: 2023-08-16. Review status: criteria provided, single submitter. Criteria: ACMG Guidelines, 2015. Collection method: clinical testing. Allele origin: germline. Inheritance: Autosomal dominant inheritance.
Comment: The p.Gly689Ser variant in GRIN2B has been reported as a de novo variant in 8 individuals in the literature (Bosch 2016 PMID: 26350515, Platzer 2017 PMID: 28377535, Iwama 2019 PMID: 30842224, Kwok 2020 PMID: 33229608, Kellner 2021 PMID: 34212862) in association with complex neurodevelopmental disorder (intellectual disability, autosomal dominant 6, with or without epilepsy). The variant was absent from large population studies (gnomAD). This variant has also been reported in ClinVar as de novo by multiple submitters (Variation ID: 224818). Computational prediction tools and conservation analysis suggest that this variant may impact the protein, though this information is not predictive enough to determine pathogenicity. In vitro functional studies provide some evidence that this variant impacts protein function by decreasing glutamate potency and producing a dominant negative effect on wildtype subunits (Kellner 2021 PMID: 34212862). This variant lies in the S2 ligand-binding domain, and pathogenic missense variants associated with disease cluster in the S1 and S2 ligand-binding domains (Platzer 2017 PMID: 28377535). In summary, this variant meets criteria to be classified as pathogenic for autosomal dominant complex neurodevelopmental disorder. ACMG/AMP Criteria applied: PS4, PM6_VS, PM1, PS3_Supporting, PP3, PM2_Supporting.

GeneDx
Classification: Pathogenic. Last evaluated: 2023-03-11. Review status: criteria provided, single submitter. Criteria: GeneDx Variant Classification Process June 2021. Collection method: clinical testing. Allele origin: germline. Affected: yes.
Comment: In silico analysis supports that this missense variant has a deleterious effect on protein structure/function; Not observed in large population cohorts (gnomAD); This variant is associated with the following publications: (PMID: 28867141, 34212862, 34490615, 34673242, 26350515, 27818011, 28377535, 30842224, 31785789, 33860439, 34302356, 35240744, 35238837, 27839871)

Institute of Human Genetics, University of Leipzig Medical Center
Classification: Pathogenic for Intellectual developmental disorder, autosomal dominant 6, with or without seizures. Last evaluated: 2021-07-09. Review status: criteria provided, single submitter. Criteria: ACMG Guidelines, 2015. Collection method: clinical testing. Allele origin: de novo. Affected: yes.
Comment: This variant was identified as de novo (maternity and paternity confirmed).

CeGaT Center for Human Genetics Tuebingen
Classification: Pathogenic. Last evaluated: 2019-09-01. Review status: criteria provided, single submitter. Criteria: CeGaT Center For Human Genetics Tuebingen Variant Classification Criteria Version 2. Collection method: clinical testing. Allele origin: germline. Affected: yes. Observed: 3 variant alleles.

Department of Genetics, Rouen University Hospital, Normandy Center for Genomic and Personalized Medicine
Classification: Pathogenic for Developmental disorder. Last evaluated: 2019-08-29. Review status: criteria provided, single submitter. Criteria: ACMG Guidelines, 2015. Collection method: clinical testing. Allele origin: de novo. Affected: yes.

Cytogénomique, Hospices Civils de Lyon
Classification: Pathogenic for Developmental and epileptic encephalopathy, 27. Last evaluated: 2018-09-03. Review status: criteria provided, single submitter. Criteria: ACMG Guidelines, 2015. Collection method: clinical testing. Allele origin: unknown. Inheritance: Autosomal dominant inheritance. Affected: yes.

Lupski Lab, Baylor-Hopkins CMG, Baylor College of Medicine
Classification: Likely pathogenic for Intellectual developmental disorder, autosomal dominant 6, with or without seizures. Last evaluated: 2015-09-09. Review status: criteria provided, single submitter. Criteria: Bosch et al. (EJHG 2015). Collection method: research. Allele origin: de novo. Affected: yes. Observed: 1 variant allele, 1 heterozygote.
Comment: This study shows that diverse genetic causes underlie CVI.

Literature cited by the submitters: PubMed 28377535 (cited by 4 submitters); PubMed 30842224 (cited by 3 submitters); PubMed 34212862 (cited by 4 submitters); PubMed 33229608 (cited by Laboratory for Molecular Medicine, Mass General Brigham Personalized Medicine); PubMed 26350515 (cited by Laboratory for Molecular Medicine, Mass General Brigham Personalized Medicine).